The following is an entry in ClinVar:

ClinVar aggregate classification (germline): Likely benign. Review status: criteria provided, multiple submitters, no conflicts (2 of 4 stars). 3 submissions from 3 submitters: Likely benign (2). 1 of the submissions does not count toward it. Last evaluated 2025-05-29.

Conditions:
VPS13D-related disorder. Also called: VPS13D-related condition.

Allele frequency attached by ClinVar (database versions not stated): ExAC 0.00004; gnomAD exomes 0.00004; gnomAD 0.00005; TOPMed 0.00006; ESP Exome Variant Server 0.00008.
gnomAD v4.1: 65 of 1,613,620 alleles (0.004%); highest among the groups gnomAD compares: Non-Finnish European, 0.0051%; no homozygotes.

Submissions (3):

Labcorp Genetics (formerly Invitae), Labcorp
Classification: Likely benign. Last evaluated: 2025-05-29. Review status: criteria provided, single submitter. Criteria: Invitae Variant Classification Sherloc (09022015). Collection method: clinical testing. Allele origin: germline.

CeGaT Center for Human Genetics Tuebingen
Classification: Likely benign. Last evaluated: 2023-12-01. Review status: criteria provided, single submitter. Criteria: CeGaT Center For Human Genetics Tuebingen Variant Classification Criteria Version 2. Collection method: clinical testing. Allele origin: germline. Affected: yes. Observed: 1 variant allele.
Comment: VPS13D: BP4, BP7

PreventionGenetics, part of Exact Sciences
Classification: Likely benign for VPS13D-related condition. Last evaluated: 2021-02-03. Review status: no assertion criteria provided. Collection method: clinical testing. Allele origin: germline. Not counted in ClinVar's aggregate classification.
Comment: This variant is classified as likely benign based on ACMG/AMP sequence variant interpretation guidelines (Richards et al. 2015 PMID: 25741868, with internal and published modifications).

NM_015378.4(VPS13D):c.8970C>T (p.Val2990=)

Gene: VPS13D (vacuolar protein sorting 13 homolog D; plus strand). Cytogenetic location: 1p36.22.
Variant type: single nucleotide variant.
Coding change: c.8970C>T on transcript NM_015378.4 (MANE Select); coding-DNA position 8970, C replaced by T.
Protein change: p.Val2990=; no amino-acid change (valine 2990 retained).
Molecular consequence: synonymous variant.
Genome position (GRCh38, 1-based): chr1:12,345,458, C>T. VCF-style: chr1-12345458-C-T. GRCh37 (hg19) VCF-style: chr1-12405515-C-T.
Other names: c.8970C>T (NM_015378.3); c.8895C>T, p.Val2965= (NM_018156.4).
Identifiers: ClinVar variation 1592073 (VCV001592073.31), dbSNP rs140033174, ClinGen allele CA603291.
Genomic context (GRCh38, chr1:12,345,458, plus strand): 5'-TCAACTGCAAGTGAGAGTAAATGGCTGGGAGCAAGTGAGCCCAGTGTCTGTGGACAAAGT[C>T]GGGACCTTTTTTCGATATGCAGCACCAGATAAAAATTCATCTTCCTCTACGGTGTGTGAC-3'
Protein context (NP_056193.2, residues 2980-3000): EQVSPVSVDK[Val2990=]GTFFRYAAPD